The following is an entry in ClinVar:

NM_001374353.1(GLI2):c.2440_2442del (p.Ser815del)

Gene: GLI2 (GLI family zinc finger 2; plus strand). Cytogenetic location: 2q14.2.
Variant type: Deletion.
Coding change: c.2440_2442del on transcript NM_001374353.1 (MANE Select); coding-DNA positions 2440 to 2442, 3 bases deleted (TCC; older notation c.2440_2442delTCC).
Protein change: p.Ser815del; deletes serine 815.
Molecular consequence: inframe deletion.
Genome position (GRCh38, 1-based): chr2:120,988,405-120,988,407, TCC deleted; deleting any 3 consecutive bases within chr2:120,988,404-120,988,407 gives the same sequence; the c. name uses the placement nearest the transcript's 3' end. VCF-style (leftmost placement, unchanged base first): chr2-120988403-TCTC-T. GRCh37 (hg19) VCF-style: chr2-121745979-TCTC-T.
Other names: c.2491_2493delTCC (NM_005270.4, NM_005270.5); c.2491_2493del, p.Ser832del (NM_001371271.1, NM_005270.5); c.2065_2067del, p.Ser690del (NM_001374354.1); short protein forms S690del, S815del, S832del.
Identifiers: ClinVar variation 1205990 (VCV001205990.9), dbSNP rs770837314, ClinGen allele CA1852235.

ClinVar aggregate classification (germline): Uncertain significance. Review status: criteria provided, multiple submitters, no conflicts (2 of 4 stars). 5 submissions from 5 submitters: Uncertain significance (3). 2 of the submissions do not count toward it. Last evaluated 2026-04-17.

Conditions:
Holoprosencephaly 9 (HPE9). Also called: HOLOPROSENCEPHALY WITH MICROPHTHALMIA AND FIRST BRANCHIAL ARCH ANOMALIES; PITUITARY ANOMALIES WITH HOLOPROSENCEPHALY-LIKE FEATURES. Identifiers: Orphanet 2162, MedGen C1835819, MONDO:0012563, OMIM 610829.
Postaxial polydactyly-anterior pituitary anomalies-facial dysmorphism syndrome. Also called: Culler-Jones syndrome. Identifiers: Orphanet 420584, MedGen C4014479, MONDO:0014369, OMIM 615849.
GLI2-related disorder. Also called: GLI2-related condition; GLI2-related disorders.

Submissions (5):

Women's Health and Genetics/Laboratory Corporation of America, LabCorp
Classification: Uncertain significance. Last evaluated: 2026-04-17. Review status: criteria provided, single submitter. Criteria: LabCorp Variant Classification Summary - May 2015. Collection method: clinical testing. Allele origin: germline.
Comment: Variant summary: GLI2 c.2491_2493delTCC (p.Ser832del) results in an in-frame deletion that is predicted to remove one amino acid from the encoded protein. The variant allele was found at a frequency of 2.2e-05 in 181702 control chromosomes. The available data on variant occurrences in the general population are insufficient to allow any conclusion about variant significance. To our knowledge, no occurrence of c.2491_2493delTCC in individuals affected with GLI2-related conditions and no experimental evidence demonstrating its impact on protein function have been reported. ClinVar contains an entry for this variant (Variation ID: 1205990). Based on the evidence outlined above, the variant was classified as uncertain significance.

Labcorp Genetics (formerly Invitae), Labcorp
Classification: Uncertain significance for Postaxial polydactyly-anterior pituitary anomalies-facial dysmorphism syndrome; Holoprosencephaly 9. Last evaluated: 2024-12-02. Review status: criteria provided, single submitter. Criteria: Invitae Variant Classification Sherloc (09022015). Collection method: clinical testing. Allele origin: germline.
Comment: This variant, c.2491_2493del, results in the deletion of 1 amino acid(s) of the GLI2 protein (p.Ser832del), but otherwise preserves the integrity of the reading frame. This variant is present in population databases (rs770837314, gnomAD 0.004%). This variant has not been reported in the literature in individuals affected with GLI2-related conditions. ClinVar contains an entry for this variant (Variation ID: 1205990). In summary, the available evidence is currently insufficient to determine the role of this variant in disease. Therefore, it has been classified as a Variant of Uncertain Significance.

PreventionGenetics, part of Exact Sciences
Classification: Uncertain significance for GLI2-related condition. Last evaluated: 2024-10-30. Review status: criteria provided, single submitter. Criteria: ACMG Guidelines, 2015. Collection method: clinical testing. Allele origin: germline.
Comment: The GLI2 c.2491_2493delTCC variant is predicted to result in an in-frame deletion (p.Ser832del). To our knowledge, this variant has not been reported in the literature. This variant is reported in 0.0036% of alleles in individuals of European (Non-Finnish) descent in gnomAD. At this time, the clinical significance of this variant is uncertain due to the absence of conclusive functional and genetic evidence.

Clinical Genetics DNA and cytogenetics Diagnostics Lab, Erasmus MC, Erasmus Medical Center
Classification: Uncertain significance. Review status: no assertion criteria provided. Collection method: clinical testing. Allele origin: germline. Affected: yes. Study: VKGL Data-share Consensus. Not counted in ClinVar's aggregate classification.

Laboratory of Diagnostic Genome Analysis, Leiden University Medical Center (LUMC)
Classification: Uncertain significance. Review status: no assertion criteria provided. Collection method: clinical testing. Allele origin: germline. Affected: yes. Study: VKGL Data-share Consensus. Not counted in ClinVar's aggregate classification.